The following is an entry in ClinVar:

NM_000455.5(STK11):c.863-8C>T

Gene: STK11 (serine/threonine kinase 11; plus strand). Cytogenetic location: 19p13.3.
Variant type: single nucleotide variant.
Coding change: c.863-8C>T on transcript NM_000455.5 (MANE Select); 8 bases into the intron before coding-DNA position 863, C replaced by T.
Molecular consequence: intron variant.
Genome position (GRCh38, 1-based): chr19:1,221,941, C>T. VCF-style: chr19-1221941-C-T. GRCh37 (hg19) VCF-style: chr19-1221940-C-T.
Identifiers: ClinVar variation 766701 (VCV000766701.16), dbSNP rs1224729035, ClinGen allele CA631033080.

ClinVar aggregate classification (germline): Conflicting classifications of pathogenicity. Review status: criteria provided, conflicting classifications (1 of 4 stars). 6 submissions from 6 submitters: Uncertain significance (2); Likely benign (4). Last evaluated 2025-06-09.

Conditions:
Hereditary cancer-predisposing syndrome. Also called: Tumor predisposition; Hereditary neoplastic syndrome; Neoplastic Syndromes, Hereditary; Hereditary Cancer Syndrome. Identifiers: Orphanet 140162, MedGen C0027672, MeSH D009386, MONDO:0015356.
Peutz-Jeghers syndrome (PJS). Also called: POLYPOSIS, HAMARTOMATOUS INTESTINAL; POLYPS-AND-SPOTS SYNDROME; Peutz-Jeghers polyposis; Periorificial lentiginosis syndrome. Identifiers: Orphanet 2869, MedGen C0031269, MeSH D010580, MONDO:0008280, OMIM 175200.

Allele frequency attached by ClinVar (database versions not stated): gnomAD exomes 0.00001.
gnomAD v4.1: 6 of 1,554,542 alleles (0.00039%); highest among the groups gnomAD compares: Non-Finnish European, 0.00052%; no homozygotes.

Submissions (6):

Labcorp Genetics (formerly Invitae), Labcorp
Classification: Likely benign for Peutz-Jeghers syndrome. Last evaluated: 2025-06-09. Review status: criteria provided, single submitter. Criteria: Invitae Variant Classification Sherloc (09022015). Collection method: clinical testing. Allele origin: germline.

Myriad Genetics, Inc.
Classification: Likely benign for Peutz-Jeghers syndrome. Last evaluated: 2025-03-27. Review status: criteria provided, single submitter. Criteria: Myriad Autosomal Dominant, Autosomal Recessive and X-Linked Classification Criteria (2023). Collection method: clinical testing. Allele origin: unknown.
Comment: This variant is considered likely benign. This variant is intronic and is not expected to impact mRNA splicing.

Blueprint Genetics
Classification: Likely benign. Last evaluated: 2021-07-27. Review status: criteria provided, single submitter. Criteria: ACMG Guidelines, 2015. Collection method: clinical testing. Allele origin: germline.

Genome-Nilou Lab
Classification: Likely benign for Peutz-Jeghers syndrome. Last evaluated: 2021-07-15. Review status: criteria provided, single submitter. Criteria: ACMG Guidelines, 2015. Collection method: clinical testing. Allele origin: germline. Affected: no.

Sema4
Classification: Uncertain significance for Hereditary cancer-predisposing syndrome. Last evaluated: 2021-04-20. Review status: criteria provided, single submitter. Criteria: Sema4 Curation Guidelines. Collection method: curation. Allele origin: germline.
Comment: The STK11 c.863-8C>T variant has not been reported in the literature to our knowledge. It was observed in 1/63312 chromosomes of the Non-Finnish European subpopulation in the large and broad cohorts of the Genome Aggregation Database. The variant has been reported in ClinVar (Variation ID 766701). In silico tools suggest that the variant does not impact splicing, though these predictions have not been confirmed by functional studies. The evidence is insufficient to meet ACMG/AMP criteria for classifying the variant as benign or pathogenic. Thus, the clinical significance of this variant is currently uncertain.

Color Diagnostics, LLC DBA Color Health
Classification: Uncertain significance for Hereditary cancer-predisposing syndrome. Last evaluated: 2018-11-02. Review status: criteria provided, single submitter. Criteria: ACMG Guidelines, 2015. Collection method: clinical testing. Allele origin: germline.